The following is an entry in ClinVar:

ClinVar aggregate classification (germline): Uncertain significance (1 of 4 stars; one submission).

Submission:

GeneDx
Classification: Uncertain significance. Last evaluated: 2023-11-27. Review status: criteria provided, single submitter. Criteria: GeneDx Variant Classification Process June 2021. Collection method: clinical testing. Allele origin: germline. Affected: yes.
Comment: Nonsense variant predicted to result in protein truncation or nonsense mediated decay in a gene for which loss-of-function is not an established mechanism of disease; Not observed at significant frequency in large population cohorts (gnomAD); Has not been previously published as pathogenic or benign to our knowledge

NM_001395002.1(MAP4K4):c.3631G>T (p.Glu1211Ter)

Gene: MAP4K4 (mitogen-activated protein kinase kinase kinase kinase 4; plus strand). Cytogenetic location: 2q11.2.
Variant type: single nucleotide variant.
Coding change: c.3631G>T on transcript NM_001395002.1 (MANE Select); coding-DNA position 3631, G replaced by T.
Protein change: p.Glu1211Ter; replaces glutamic acid 1211 with a stop codon.
Molecular consequence: nonsense. On other transcripts: non-coding transcript variant (4).
Genome position (GRCh38, 1-based): chr2:101,887,097, G>T. VCF-style: chr2-101887097-G-T. GRCh37 (hg19) VCF-style: chr2-102503559-G-T.
Other names: c.3196G>T, p.Glu1066Ter (NM_001242559.2); c.3184G>T, p.Glu1062Ter (NM_001242560.2); c.3274G>T, p.Glu1092Ter (NM_001384476.1); c.3463G>T, p.Glu1155Ter (NM_001384477.1); c.2953G>T, p.Glu985Ter (NM_001384478.1); c.3391G>T, p.Glu1131Ter (NM_001384481.1); c.2944G>T, p.Glu982Ter (NM_001384482.1); c.3226G>T, p.Glu1076Ter (NM_001384483.1); and 39 more; short protein forms E1004*, E1015*, E1016*, E1027*, E1030*, E1039*, E1040*, E1049*.
Identifiers: ClinVar variation 3364762 (VCV003364762.1).